The following is an entry in ClinVar:

ClinVar aggregate classification (germline): Uncertain significance (1 of 4 stars; one submission).

Conditions:
Severe combined immunodeficiency due to DNA-PKcs deficiency. Also called: IMMUNODEFICIENCY 26 WITH NEUROLOGIC ABNORMALITIES; Immunodeficiency 26 with or without neurologic abnormalities. Identifiers: Orphanet 317425, MedGen C4014833, MONDO:0014423, OMIM 615966.

Allele frequency attached by ClinVar (database versions not stated): ExAC 0.00001; gnomAD 0.00001; gnomAD exomes 0.00001 and 0.00002; TOPMed 0.00001.
gnomAD v4.1: 6 of 1,613,856 alleles (0.00037%); highest among the groups gnomAD compares: Admixed American, 0.0033%; no homozygotes.

Submission:

Labcorp Genetics (formerly Invitae), Labcorp
Classification: Uncertain significance for Severe combined immunodeficiency due to DNA-PKcs deficiency. Last evaluated: 2022-10-24. Review status: criteria provided, single submitter. Criteria: Invitae Variant Classification Sherloc (09022015). Collection method: clinical testing. Allele origin: germline.
Comment: In summary, the available evidence is currently insufficient to determine the role of this variant in disease. Therefore, it has been classified as a Variant of Uncertain Significance. Advanced modeling of protein sequence and biophysical properties (such as structural, functional, and spatial information, amino acid conservation, physicochemical variation, residue mobility, and thermodynamic stability) performed at Invitae indicates that this missense variant is expected to disrupt PRKDC protein function. ClinVar contains an entry for this variant (Variation ID: 1473091). This variant has not been reported in the literature in individuals affected with PRKDC-related conditions. This variant is present in population databases (rs753646051, gnomAD 0.009%). This sequence change replaces arginine, which is basic and polar, with glutamine, which is neutral and polar, at codon 1608 of the PRKDC protein (p.Arg1608Gln).

NM_006904.7(PRKDC):c.4823G>A (p.Arg1608Gln)

Gene: PRKDC (protein kinase, DNA-activated, catalytic subunit; minus strand). Cytogenetic location: 8q11.21.
Variant type: single nucleotide variant.
Coding change: c.4823G>A on transcript NM_006904.7 (MANE Select); coding-DNA position 4823, G replaced by A.
Protein change: p.Arg1608Gln; replaces arginine 1608 with glutamine.
Molecular consequence: missense variant.
Genome position (GRCh38, 1-based): chr8:47,882,051, C>T on the plus strand (G>A on the coding strand, the complement: PRKDC is on the minus strand). VCF-style: chr8-47882051-C-T. GRCh37 (hg19) VCF-style: chr8-48794612-C-T.
Other names: c.4823G>A, p.Arg1608Gln (NM_001081640.2); short protein forms R1608Q.
Identifiers: ClinVar variation 1473091 (VCV001473091.6), dbSNP rs753646051, ClinGen allele CA4740784.